The following is an entry in ClinVar:

ClinVar aggregate classification (germline): Uncertain significance (1 of 4 stars; one submission).

Conditions:
Suleiman-El-Hattab syndrome. Identifiers: MedGen C5436458, MONDO:0033532, OMIM 618950.

gnomAD v4.1: 7 of 1,608,714 alleles (0.00044%); highest among the groups gnomAD compares: African/African-American, 0.0027%; no homozygotes.

Submission:

MVZ Medizinische Genetik Mainz
Classification: Uncertain significance for Suleiman-El-Hattab syndrome. Last evaluated: 2024-04-26. Review status: criteria provided, single submitter. Criteria: UK Practice Guidelines For Variant Classification V4 01 2020. Collection method: clinical testing. Allele origin: germline. Inheritance: Autosomal recessive inheritance. Affected: yes. Observed: 2 variant alleles.
Comment: ACMG Criteria: PP3_MOD,PM2_SUP,PP4

NM_017714.3(TASP1):c.1024G>A (p.Gly342Arg)

Gene: TASP1 (taspase 1; minus strand). Cytogenetic location: 20p12.1.
Variant type: single nucleotide variant.
Coding change: c.1024G>A on transcript NM_017714.3 (MANE Select); coding-DNA position 1024, G replaced by A.
Protein change: p.Gly342Arg; replaces glycine 342 with arginine.
Molecular consequence: missense variant. On other transcripts: non-coding transcript variant (4).
Genome position (GRCh38, 1-based): chr20:13,435,116, C>T on the plus strand (G>A on the coding strand, the complement: TASP1 is on the minus strand). VCF-style: chr20-13435116-C-T. GRCh37 (hg19) VCF-style: chr20-13415763-C-T.
Other names: c.631G>A, p.Gly211Arg (NM_001323602.2); c.718G>A, p.Gly240Arg (NM_001323603.2, NM_001323604.2); short protein forms G211R, G240R, G342R.
Identifiers: ClinVar variation 3256687 (VCV003256687.1).
Genomic context (GRCh38, chr20:13,435,116, plus strand): 5'-GCTTATTTTGGGAGGAGTCAGGCTCGGCAGAACATCTGCATGAACGGAGGACAATCACTC[C>T]GCCAAGCACGCCATCTTCACTGGCAAGGAAAGGTGAACCTAGGCAGAAAGGACTAGTAGT-3'
Protein context (NP_060184.2, residues 332-352): FLASEDGVLG[Gly342Arg]VIVLRSCRCS